The following is an entry in ClinVar:

NM_000059.4(BRCA2):c.537dup (p.Ile180fs)

Gene: BRCA2 (BRCA2 DNA repair associated; plus strand). Cytogenetic location: 13q13.1.
Variant type: Duplication.
Coding change: c.537dup on transcript NM_000059.4 (MANE Select); coding-DNA position 537, one base duplicated (T; older notation c.537dupT).
Protein change: p.Ile180fs; shifts the reading frame from isoleucine 180.
Molecular consequence: frameshift variant.
Genome position (GRCh38, 1-based): chr13:32,326,519, T duplicated. VCF-style (leftmost placement, unchanged base first): chr13-32326518-A-AT. GRCh37 (hg19) VCF-style: chr13-32900655-A-AT.
Other names: c.537dupT (NM_000059.3); short protein forms I180fs.
Identifiers: ClinVar variation 584463 (VCV000584463.14), dbSNP rs1566219199, ClinGen allele CA891843613.
Genomic context (GRCh38, chr13:32,326,518, plus strand): 5'-GGGCATTTCTATAAAAAATAAACTATTTTCTTTCCTCCCAGGGTCGTCAGACACCAAAAC[A>AT]TATTTCTGAAAGTCTAGGAGCTGAGGTGGATCCTGATATGTCTTGGTCAAGTTCTTTAGC-3'

ClinVar aggregate classification (germline): Pathogenic. Review status: criteria provided, multiple submitters, no conflicts (2 of 4 stars). 6 submissions from 6 submitters: Pathogenic (3). 3 of the submissions do not count toward it. Last evaluated 2023-03-06.

Conditions:
Hereditary cancer-predisposing syndrome. Also called: Neoplastic Syndromes, Hereditary; Hereditary Cancer Syndrome; Tumor predisposition; Hereditary neoplastic syndrome. Identifiers: Orphanet 140162, MedGen C0027672, MeSH D009386, MONDO:0015356.
Breast-ovarian cancer, familial, susceptibility to, 2 (BROVCA2). Also called: BRCA2 Hereditary Breast and Ovarian Cancer. Identifiers: Orphanet 145, MedGen C2675520, MONDO:0012933, OMIM 612555. Disease mechanism: loss of function.

Submissions (6):

Color Diagnostics, LLC DBA Color Health
Classification: Pathogenic for Hereditary cancer-predisposing syndrome. Last evaluated: 2023-03-06. Review status: criteria provided, single submitter. Criteria: ACMG Guidelines, 2015. Collection method: clinical testing. Allele origin: germline.
Comment: This variant inserts 1 nucleotide in exon 7 of the BRCA2 gene, creating a frameshift and premature translation stop signal. This variant is expected to result in an absent or non-functional protein product. This variant has been reported in at least four individuals with a personal or family history of breast and/or ovarian cancer (PMID: 31209999, 32862574, 32862574). This variant has not been identified in the general population by the Genome Aggregation Database (gnomAD). Loss of BRCA2 function is a known mechanism of disease. Based on the available evidence, this variant is classified as Pathogenic.

GeneKor MSA
Classification: Pathogenic. Last evaluated: 2020-01-01. Review status: criteria provided, single submitter. Criteria: ACMG Guidelines, 2015. Collection method: clinical testing. Allele origin: germline. Affected: no.
Comment: This variant is a single base pair insertion in exon 7 of the BRCA2 mRNA, causing a frameshift after codon 180 and this creates a premature translational stop signal 3 amino acid residues later. This is expected to result in an absent or disrupted protein product. Truncating variants in BRCA2 are known to be pathogenic (PMID: 20104584). This variant has been described in the international literature in an individual undergoing panel testing for hereditary syndrome (PMID: 31159747).

Clinical Genetics and Genomics, Karolinska University Hospital
Classification: Pathogenic. Last evaluated: 2018-04-03. Review status: criteria provided, single submitter. Criteria: ACMG Guidelines, 2015. Collection method: clinical testing. Allele origin: germline. Affected: yes. Observed: 1 variant allele.

BRCAlab, Lund University
Classification: Pathogenic for Breast-ovarian cancer, familial, susceptibility to, 2. Last evaluated: 2020-03-02. Review status: no assertion criteria provided. Collection method: clinical testing. Allele origin: germline. Affected: yes. Not counted in ClinVar's aggregate classification.

Joint Genome Diagnostic Labs from Nijmegen and Maastricht, Radboudumc and MUMC+
Classification: Pathogenic. Review status: no assertion criteria provided. Collection method: clinical testing. Allele origin: germline. Affected: yes. Study: VKGL Data-share Consensus. Not counted in ClinVar's aggregate classification.

Laboratory of Diagnostic Genome Analysis, Leiden University Medical Center (LUMC)
Classification: Pathogenic. Review status: no assertion criteria provided. Collection method: clinical testing. Allele origin: germline. Affected: yes. Study: VKGL Data-share Consensus. Not counted in ClinVar's aggregate classification.

Literature cited by the submitters: PubMed 31209999 (cited by Color Diagnostics, LLC DBA Color Health); PubMed 32862574 (cited by Color Diagnostics, LLC DBA Color Health).